The following is an entry in ClinVar:

NM_000038.6(APC):c.6254G>C (p.Arg2085Thr)

Gene: APC (APC regulator of Wnt signaling pathway; plus strand). Cytogenetic location: 5q22.2.
Variant type: single nucleotide variant.
Coding change: c.6254G>C on transcript NM_000038.6 (MANE Select); coding-DNA position 6254, G replaced by C.
Protein change: p.Arg2085Thr; replaces arginine 2085 with threonine.
Molecular consequence: missense variant.
Genome position (GRCh38, 1-based): chr5:112,841,848, G>C. VCF-style: chr5-112841848-G-C. GRCh37 (hg19) VCF-style: chr5-112177545-G-C.
Other names: c.6254G>C, p.Arg2085Thr (NM_001127510.3, NM_001354895.2); c.6200G>C, p.Arg2067Thr (NM_001127511.3); c.6308G>C, p.Arg2103Thr (NM_001354896.2); c.6284G>C, p.Arg2095Thr (NM_001354897.2); c.6179G>C, p.Arg2060Thr (NM_001354898.2); c.6170G>C, p.Arg2057Thr (NM_001354899.2); c.6131G>C, p.Arg2044Thr (NM_001354900.2); c.6077G>C, p.Arg2026Thr (NM_001354901.2); and 5 more; short protein forms R1802T, R1925T, R1994T, R2026T, R2044T, R2085T, R1959T, R2060T.
Identifiers: ClinVar variation 1469941 (VCV001469941.10), dbSNP rs770637582, ClinGen allele CA16035026.
Genomic context (GRCh38, chr5:112,841,848, plus strand): 5'-CCAGAAATATGGGTGGCATATTAGGTGAAGATCTGACACTTGATTTGAAAGATATACAGA[G>C]ACCAGATTCAGAACATGGTCTATCCCCTGATTCAGAAAATTTTGATTGGAAAGCTATTCA-3'
Protein context (NP_000029.2, residues 2075-2095): DLTLDLKDIQ[Arg2085Thr]PDSEHGLSPD

ClinVar aggregate classification (germline): Uncertain significance. Review status: criteria provided, multiple submitters, no conflicts (2 of 4 stars). 2 submissions from 2 submitters: Uncertain significance (2). Last evaluated 2025-11-18.

Conditions:
Hereditary cancer-predisposing syndrome. Also called: Tumor predisposition; Hereditary Cancer Syndrome; Hereditary neoplastic syndrome; Neoplastic Syndromes, Hereditary. Identifiers: Orphanet 140162, MedGen C0027672, MeSH D009386, MONDO:0015356.
Familial adenomatous polyposis 1 (FAP1). Also called: FAMILIAL ADENOMATOUS POLYPOSIS 1, ATTENUATED; POLYPOSIS, ADENOMATOUS INTESTINAL. Identifiers: MedGen C2713442, MONDO:0021056, OMIM 175100. Disease mechanism: loss of function.

gnomAD v4.1: 3 of 1,613,880 alleles (0.00019%); highest among the groups gnomAD compares: African/African-American, 0.0027%; no homozygotes.

Submissions (2):

Labcorp Genetics (formerly Invitae), Labcorp
Classification: Uncertain significance for Familial adenomatous polyposis 1. Last evaluated: 2025-11-18. Review status: criteria provided, single submitter. Criteria: Invitae Variant Classification Sherloc (09022015). Collection method: clinical testing. Allele origin: germline.
Comment: This sequence change replaces arginine, which is basic and polar, with threonine, which is neutral and polar, at codon 2085 of the APC protein (p.Arg2085Thr). This variant is not present in population databases (gnomAD no frequency). This variant has not been reported in the literature in individuals affected with APC-related conditions. ClinVar contains an entry for this variant (Variation ID: 1469941). Invitae Evidence Modeling of protein sequence and biophysical properties (such as structural, functional, and spatial information, amino acid conservation, physicochemical variation, residue mobility, and thermodynamic stability) indicates that this missense variant is not expected to disrupt APC protein function with a negative predictive value of 95%. In summary, the available evidence is currently insufficient to determine the role of this variant in disease. Therefore, it has been classified as a Variant of Uncertain Significance.

Ambry Genetics
Classification: Uncertain significance for Hereditary cancer-predisposing syndrome. Last evaluated: 2020-10-12. Review status: criteria provided, single submitter. Criteria: Ambry Variant Classification Scheme 2023. Collection method: clinical testing. Allele origin: germline.
Comment: The p.R2085T variant (also known as c.6254G>C), located in coding exon 15 of the APC gene, results from a G to C substitution at nucleotide position 6254. The arginine at codon 2085 is replaced by threonine, an amino acid with similar properties. This amino acid position is well conserved in available vertebrate species. In addition, in silico predictors for this gene do not accurately predict pathogenicity. Since supporting evidence is limited at this time, the clinical significance of this alteration remains unclear.